The following is an entry in ClinVar:

ClinVar aggregate classification (germline): Uncertain significance (1 of 4 stars; one submission).

Submission:

Labcorp Genetics (formerly Invitae), Labcorp
Classification: Uncertain significance. Last evaluated: 2022-09-06. Review status: criteria provided, single submitter. Criteria: Invitae Variant Classification Sherloc (09022015). Collection method: clinical testing. Allele origin: germline.
Comment: In summary, the available evidence is currently insufficient to determine the role of this variant in disease. Therefore, it has been classified as a Variant of Uncertain Significance. Algorithms developed to predict the effect of missense changes on protein structure and function (SIFT, PolyPhen-2, Align-GVGD) all suggest that this variant is likely to be disruptive. This missense change has been observed in individual(s) with hypophosphatemic rickets (Invitae). This variant is not present in population databases (gnomAD no frequency). This sequence change replaces alanine, which is neutral and non-polar, with aspartic acid, which is acidic and polar, at codon 656 of the PHEX protein (p.Ala656Asp).

NM_000444.6(PHEX):c.1967C>A (p.Ala656Asp)

Genes: PHEX (phosphate regulating endopeptidase X-linked; plus strand), PTCHD1-AS (PTCHD1 and PHEX antisense RNA; minus strand). Cytogenetic location: Xp22.11.
Variant type: single nucleotide variant.
Coding change: c.1967C>A on transcript NM_000444.6 (MANE Select); coding-DNA position 1967, C replaced by A.
Protein change: p.Ala656Asp; replaces alanine 656 with aspartic acid.
Molecular consequence: missense variant. On other transcripts: non-coding transcript variant (1).
Genome position (GRCh38, 1-based): chrX:22,227,508, C>A. VCF-style: chrX-22227508-C-A. GRCh37 (hg19) VCF-style: chrX-22245625-C-A.
Other names: c.1967C>A, p.Ala656Asp (NM_001282754.2); short protein forms A656D.
Identifiers: ClinVar variation 1718930 (VCV001718930.5), dbSNP rs2518676556, ClinGen allele CA412574283.